The following is an entry in ClinVar:

ClinVar aggregate classification (germline): Likely benign (0 of 4 stars; one submission).

Conditions:
LZTFL1-related disorder. Also called: LZTFL1-related condition.

gnomAD v4.1: 4 of 1,613,010 alleles (0.00025%); highest among the groups gnomAD compares: East Asian, 0.0045%; no homozygotes.

Submission:

PreventionGenetics, part of Exact Sciences
Classification: Likely benign for LZTFL1-related condition. Last evaluated: 2024-03-21. Review status: no assertion criteria provided. Collection method: clinical testing. Allele origin: germline.
Comment: This variant is classified as likely benign based on ACMG/AMP sequence variant interpretation guidelines (Richards et al. 2015 PMID: 25741868, with internal and published modifications).

NM_020347.4(LZTFL1):c.396T>C (p.Asp132=)

Gene: LZTFL1 (leucine zipper transcription factor like 1; minus strand). Cytogenetic location: 3p21.31.
Variant type: single nucleotide variant.
Coding change: c.396T>C on transcript NM_020347.4 (MANE Select); coding-DNA position 396, T replaced by C.
Protein change: p.Asp132=; no amino-acid change (aspartic acid 132 retained).
Molecular consequence: synonymous variant. On other transcripts: non-coding transcript variant (2).
Genome position (GRCh38, 1-based): chr3:45,833,110, A>G on the plus strand (T>C on the coding strand, the complement: LZTFL1 is on the minus strand). VCF-style: chr3-45833110-A-G. GRCh37 (hg19) VCF-style: chr3-45874602-A-G.
Other names: c.345T>C, p.Asp115= (NM_001276378.2, NM_001386451.1, NM_001405922.1 and 4 more transcripts); c.384T>C, p.Asp128= (NM_001276379.2, NM_001405921.1); c.396T>C, p.Asp132= (NM_001386452.1, NM_001405924.1); c.420T>C, p.Asp140= (NM_001405920.1, NM_001405925.1).
Identifiers: ClinVar variation 3348308 (VCV003348308.1).